The following is an entry in ClinVar:

NM_001164508.2(NEB):c.9256_9263del (p.Phe3086fs)

Gene: NEB (nebulin; minus strand). Cytogenetic location: 2q23.3.
Variant type: Deletion.
Coding change: c.9256_9263del on transcript NM_001164508.2 (MANE Select); coding-DNA positions 9256 to 9263, 8 bases deleted (TTCAGCAG; older notation c.9256_9263delTTCAGCAG).
Protein change: p.Phe3086fs; shifts the reading frame from phenylalanine 3086.
Molecular consequence: frameshift variant. On other transcripts: intron variant (1).
Genome position (GRCh38, 1-based): chr2:151,633,805-151,633,812, CTGCTGAA deleted on the plus strand (TTCAGCAG on the coding strand, the reverse complement: NEB is on the minus strand); deleting any 8 consecutive bases within chr2:151,633,805-151,633,814 gives the same sequence; the c. name uses the placement nearest the transcript's 3' end. VCF-style (leftmost placement, unchanged base first): chr2-151633804-GCTGCTGAA-G. GRCh37 (hg19) VCF-style: chr2-152490318-GCTGCTGAA-G.
Other names: c.9256_9263del, p.Phe3086fs (NM_001164507.2, NM_001271208.2); c.9254_9261delAGTTCAGC, p.Phe3086Profs (NM_001271208.1); c.8854-2634_8854-2627del (NM_004543.5); short protein forms F3086fs.
Identifiers: ClinVar variation 4814796 (VCV004814796.1).

ClinVar aggregate classification (germline): Likely pathogenic (1 of 4 stars; one submission).

Conditions:
Nemaline myopathy 2 (NEM2). Also called: Nemaline myopathy 2, autosomal recessive. Identifiers: MedGen C1850569, MONDO:0009725, OMIM 256030.

Submission:

Natera, Inc.
Classification: Likely pathogenic for Nemaline myopathy type 2. Last evaluated: 2024-05-07. Review status: criteria provided, single submitter. Criteria: Natera Variant Classification Schema (03/2026). Collection method: clinical testing. Allele origin: germline.
Comment: The c.9256_9263del variant in NEB is a frameshift variant predicted to shift the reading frame beginning at codon 3086 and leads to a stop codon 19 codons downstream. This variant is expected to result in nonsense mediated decay, truncation, or a dysfunctional protein product. This variant is rare in the general population with a frequency below the threshold expected for the associated phenotype(s). Given the available evidence, this variant is classified as Likely Pathogenic.